The following is an entry in ClinVar:

ClinVar aggregate classification (germline): Benign/Likely benign. Review status: criteria provided, multiple submitters, no conflicts (2 of 4 stars). 4 submissions from 4 submitters: Benign (2); Likely benign (2). Last evaluated 2025-11-25.

Conditions:
Hereditary spastic paraplegia 8 (SPG8). Also called: SPASTIC PARAPLEGIA 8, AUTOSOMAL DOMINANT. Identifiers: Orphanet 100989, MedGen C1863704, MONDO:0011339, OMIM 603563.
Ritscher-Schinzel syndrome. Also called: CRANIOCEREBELLOCARDIAC DYSPLASIA. Identifiers: Orphanet 7, MedGen C0796137, MONDO:0019078.
Hereditary spastic paraplegia. Also called: Familial spastic paraparesis. Identifiers: Orphanet 685, MedGen C0037773, MONDO:0019064. Disease mechanism: loss of function.

Allele frequency attached by ClinVar (database versions not stated): gnomAD exomes 0.00096 and 0.00032; ExAC 0.00110; 1000 Genomes Project 30x 0.00406; gnomAD 0.00357 and 0.00340; ESP Exome Variant Server 0.00431; TOPMed 0.00386; 1000 Genomes Project 0.00419.
gnomAD v4.1: 1,001 of 1,612,090 alleles (0.062%); highest among the groups gnomAD compares: African/African-American, 1.2%; 5 homozygotes.

Submissions (4):

Labcorp Genetics (formerly Invitae), Labcorp
Classification: Benign for Ritscher-Schinzel syndrome; Hereditary spastic paraplegia 8. Last evaluated: 2025-11-25. Review status: criteria provided, single submitter. Criteria: Invitae Variant Classification Sherloc (09022015). Collection method: clinical testing. Allele origin: germline.

GeneDx
Classification: Likely benign. Last evaluated: 2022-03-30. Review status: criteria provided, single submitter. Criteria: GeneDx Variant Classification Process June 2021. Collection method: clinical testing. Allele origin: germline. Affected: yes.

Genome Diagnostics Laboratory, The Hospital for Sick Children
Classification: Likely benign for Hereditary spastic paraplegia. Last evaluated: 2022-01-17. Review status: criteria provided, single submitter. Criteria: ACMG Guidelines, 2015. Collection method: clinical testing. Allele origin: germline. Affected: yes.

Illumina Laboratory Services, Illumina
Classification: Benign for Hereditary spastic paraplegia 8. Last evaluated: 2018-01-13. Review status: criteria provided, single submitter. Criteria: ICSL Variant Classification Criteria 13 December 2019. Collection method: clinical testing. Allele origin: germline.
Comment: This variant was observed in the ICSL laboratory as part of a predisposition screen in an ostensibly healthy population. It had not been previously curated by ICSL or reported in the Human Gene Mutation Database (HGMD: prior to June 1st, 2018), and was therefore a candidate for classification through an automated scoring system. Utilizing variant allele frequency, disease prevalence and penetrance estimates, and inheritance mode, an automated score was calculated to assess if this variant is too frequent to cause the disease. Based on the score and internal cut-off values, a variant classified as benign is not then subjected to further curation. The score for this variant resulted in a classification of benign for this disease.

NM_014846.4(WASHC5):c.2100G>A (p.Val700=)

Gene: WASHC5 (WASH complex subunit 5; minus strand). Cytogenetic location: 8q24.13.
Variant type: single nucleotide variant.
Coding change: c.2100G>A on transcript NM_014846.4 (MANE Select); coding-DNA position 2100, G replaced by A.
Protein change: p.Val700=; no amino-acid change (valine 700 retained).
Molecular consequence: synonymous variant.
Genome position (GRCh38, 1-based): chr8:125,050,663, C>T on the plus strand (G>A on the coding strand, the complement: WASHC5 is on the minus strand). VCF-style: chr8-125050663-C-T. GRCh37 (hg19) VCF-style: chr8-126062905-C-T.
Other names: c.1656G>A, p.Val552= (NM_001330609.2).
Identifiers: ClinVar variation 361717 (VCV000361717.17), dbSNP rs148936723, ClinGen allele CA4873610.